The following is an entry in ClinVar:

ClinVar aggregate classification (germline): Pathogenic (0 of 4 stars; one submission).

Conditions:
Familial adenomatous polyposis 2. Also called: Adenomas, multiple colorectal; MUTYH Polyposis; COLORECTAL ADENOMATOUS POLYPOSIS, AUTOSOMAL RECESSIVE; ADENOMAS, MULTIPLE COLORECTAL, AUTOSOMAL RECESSIVE; FAP type 2; MUTYH-associated polyposis. Identifiers: Orphanet 220460, Orphanet 247798, MedGen C3272841, MONDO:0012041, OMIM 608456.

Submission:

Department of Pathology and Laboratory Medicine, Sinai Health System
Classification: Pathogenic for Familial adenomatous polyposis 2. Review status: no assertion criteria provided. Collection method: clinical testing. Allele origin: unknown. Affected: yes. Study: The Canadian Open Genetics Repository (COGR).
Comment: The MUTYH c.349-?_1650+?del variant (chr:1 g.45794978_45798996del GRCh37) results in the deletion of exons 4-16. The precise breakpoints of this deletion were not determined nor were the effects of this variant on the resulting mRNA or protein product determined, however this deletion includes the end of the open reading frame of MUTYH and is predicted to result in a truncated or absent protein and loss of function. Biallelic loss of function variants in the MUTYH gene are an established mechanism of disease in MUTYH-associated polyposis. In addition, this variant was identified in the literature in the homozygous state in a patient with clinically suspected MUTYH-associated polyposis (Torrezan 2011). The variant was not identified in dbSNP, ClinVar, or UMD-LSDB nor was it identified in the following control databases: the Exome Aggregation Consortium (August 8th 2016) or the Genome Aggregation Database (Feb 27, 2017). In summary, based on the above information, this variant meets our laboratoryâ€šÃ„Ã´s criteria to be classified as pathogenic.

NM_001048174.2(MUTYH):c.1393-51_*2del

Gene: MUTYH (mutY DNA glycosylase; minus strand). Cytogenetic location: 1p34.1.
Variant type: Deletion.
Coding change: c.1393-51_*2del on transcript NM_001048174.2 (MANE Select); 51 bases into the intron before coding-DNA position 1393 through 2 bases downstream of the stop codon, 1,305 bases deleted.
Molecular consequence: splice acceptor variant, splice donor variant.
Genome position (GRCh38, 1-based): chr1:45,329,304-45,330,608, 1,305 bases deleted. GRCh37 (hg19): chr1:45,794,976-45,796,280.
Other names: c.1117-51_*2del (NM_001293192.2, NM_001293196.2); c.1048-51_*2del (NM_001350650.2, NM_001350651.2); c.1393-51_*2del (NM_001048171.2, NM_001048173.2, NM_001293195.2); c.1438-51_*2del (NM_001293190.2); c.1468-51_*2del (NM_012222.3); c.1477-51_*2del (NM_001128425.2); c.1396-51_*2del (NM_001048172.2); c.1426-51_*2del (NM_001293191.2).
Identifiers: ClinVar variation 1050536 (VCV001050536.1), ClinGen allele CA2499214751.